The following is an entry in ClinVar:

NM_003242.6(TGFBR2):c.538A>C (p.Ile180Leu)

Gene: TGFBR2 (transforming growth factor beta receptor 2; plus strand). Cytogenetic location: 3p24.1.
Variant type: single nucleotide variant.
Coding change: c.538A>C on transcript NM_003242.6 (MANE Select); coding-DNA position 538, A replaced by C.
Protein change: p.Ile180Leu; replaces isoleucine 180 with leucine.
Molecular consequence: missense variant.
Genome position (GRCh38, 1-based): chr3:30,671,721, A>C. VCF-style: chr3-30671721-A-C. GRCh37 (hg19) VCF-style: chr3-30713213-A-C.
Other names: c.613A>C, p.Ile205Leu (NM_001024847.3); c.721A>C, p.Ile241Leu (NM_001407126.1); c.646A>C, p.Ile216Leu (NM_001407127.1); c.565A>C, p.Ile189Leu (NM_001407128.1); c.541A>C, p.Ile181Leu (NM_001407129.1); c.538A>C, p.Ile180Leu (NM_001407130.1); c.433A>C, p.Ile145Leu (NM_001407132.1, NM_001407133.1, NM_001407134.1 and 2 more transcripts); c.253A>C, p.Ile85Leu (NM_001407137.1); and 1 more; short protein forms I180L, I205L, I216L, I241L, I181L, I189L, I60L, I85L.
Identifiers: ClinVar variation 1302325 (VCV001302325.4), dbSNP rs1699340728, ClinGen allele CA351807320.

ClinVar aggregate classification (germline): Uncertain significance. Review status: criteria provided, multiple submitters, no conflicts (2 of 4 stars). 2 submissions from 2 submitters: Uncertain significance (2). Last evaluated 2025-03-31.

Conditions:
Familial thoracic aortic aneurysm and aortic dissection (TAAD). Also called: Thoracic aortic aneurysms and dissections. Identifiers: Orphanet 91387, MedGen C4707243, MONDO:0019625.

Submissions (2):

Ambry Genetics
Classification: Uncertain significance for Familial thoracic aortic aneurysm and aortic dissection. Last evaluated: 2025-03-31. Review status: criteria provided, single submitter. Criteria: Ambry Variant Classification Scheme 2023. Collection method: clinical testing. Allele origin: germline.
Comment: The p.I180L variant (also known as c.538A>C), located in coding exon 4 of the TGFBR2 gene, results from an A to C substitution at nucleotide position 538. The isoleucine at codon 180 is replaced by leucine, an amino acid with highly similar properties. This amino acid position is conserved. In addition, this alteration is predicted to be tolerated by in silico analysis. Based on the available evidence, the clinical significance of this variant remains unclear.

GeneDx
Classification: Uncertain significance. Last evaluated: 2019-06-25. Review status: criteria provided, single submitter. Criteria: GeneDx Variant Classification Process June 2021. Collection method: clinical testing. Allele origin: germline. Affected: yes.
Comment: Has not been previously published as pathogenic or benign to our knowledge; Not observed in large population cohorts (Lek et al., 2016); In silico analysis, which includes protein predictors and evolutionary conservation, supports that this variant does not alter protein structure/function